The following is an entry in ClinVar:

ClinVar aggregate classification (germline): Likely benign (1 of 4 stars; one submission).

Allele frequency attached by ClinVar (database versions not stated): TOPMed below 0.00001.

Submission:

GeneDx
Classification: Likely benign. Last evaluated: 2018-04-20. Review status: criteria provided, single submitter. Criteria: GeneDx Variant Classification (06012015). Collection method: clinical testing. Allele origin: germline. Affected: yes.
Comment: This variant is considered likely benign or benign based on one or more of the following criteria: it is a conservative change, it occurs at a poorly conserved position in the protein, it is predicted to be benign by multiple in silico algorithms, and/or has population frequency not consistent with disease.

NM_201384.3(PLEC):c.916A>C (p.Arg306=)

Gene: PLEC (plectin; minus strand). Cytogenetic location: 8q24.3.
Variant type: single nucleotide variant.
Coding change: c.916A>C on transcript NM_201384.3 (MANE Select); coding-DNA position 916, A replaced by C.
Protein change: p.Arg306=; no amino-acid change (arginine 306 retained).
Molecular consequence: synonymous variant.
Genome position (GRCh38, 1-based): chr8:143,934,839, T>G on the plus strand (A>C on the coding strand, the complement: PLEC is on the minus strand). VCF-style: chr8-143934839-T-G. GRCh37 (hg19) VCF-style: chr8-145009007-T-G.
Other names: c.997A>C, p.Arg333= (NM_000445.5); c.874A>C, p.Arg292= (NM_201378.4); c.850A>C, p.Arg284= (NM_201379.3); c.1327A>C, p.Arg443= (NM_201380.4); c.820A>C, p.Arg274= (NM_201381.3); c.916A>C, p.Arg306= (NM_201382.4); c.928A>C, p.Arg310= (NM_201383.3).
Identifiers: ClinVar variation 682249 (VCV000682249.1), dbSNP rs1587141383, ClinGen allele CA463537243.